The following is an entry in ClinVar:

ClinVar aggregate classification (germline): Uncertain significance (1 of 4 stars; one submission).

Allele frequency attached by ClinVar (database versions not stated): gnomAD 0.00001; gnomAD exomes 0.00001; ExAC 0.00002; TOPMed 0.00002; ESP Exome Variant Server 0.00008; 1000 Genomes Project 30x 0.00016; 1000 Genomes Project 0.00020.
gnomAD v4.1: 17 of 1,611,858 alleles (0.0011%); highest among the groups gnomAD compares: Admixed American, 0.0033%; no homozygotes.

Submission:

Labcorp Genetics (formerly Invitae), Labcorp
Classification: Uncertain significance. Last evaluated: 2023-08-29. Review status: criteria provided, single submitter. Criteria: Invitae Variant Classification Sherloc (09022015). Collection method: clinical testing. Allele origin: germline.
Comment: Algorithms developed to predict the effect of sequence changes on RNA splicing suggest that this variant may disrupt the consensus splice site. In summary, the available evidence is currently insufficient to determine the role of this variant in disease. Therefore, it has been classified as a Variant of Uncertain Significance. ClinVar contains an entry for this variant (Variation ID: 1931006). An algorithm developed to predict the effect of missense changes on protein structure and function (PolyPhen-2) suggests that this variant is likely to be disruptive. This variant has not been reported in the literature in individuals affected with RIMS1-related conditions. This sequence change replaces arginine, which is basic and polar, with glycine, which is neutral and non-polar, at codon 1246 of the RIMS1 protein (p.Arg1246Gly). This variant is present in population databases (rs148880476, gnomAD 0.003%).

NM_014989.7(RIMS1):c.3736A>G (p.Arg1246Gly)

Gene: RIMS1 (regulating synaptic membrane exocytosis 1; plus strand). Cytogenetic location: 6q13.
Variant type: single nucleotide variant.
Coding change: c.3736A>G on transcript NM_014989.7 (MANE Select); coding-DNA position 3736, A replaced by G.
Protein change: p.Arg1246Gly; replaces arginine 1246 with glycine.
Molecular consequence: missense variant. On other transcripts: intron variant (56).
Genome position (GRCh38, 1-based): chr6:72,290,860, A>G. VCF-style: chr6-72290860-A-G. GRCh37 (hg19) VCF-style: chr6-73000563-A-G.
Other names: c.1810A>G, p.Arg604Gly (NM_001350420.2); c.1792A>G, p.Arg598Gly (NM_001350431.2); c.1879A>G, p.Arg627Gly (NM_001350438.2, NM_001350456.2); c.1882A>G, p.Arg628Gly (NM_001350442.2, NM_001350446.2); c.1741A>G, p.Arg581Gly (NM_001350462.2); c.1632-1074A>G (NM_001350428.2); c.1560-1074A>G (NM_001350459.2, NM_001350424.2); c.1641-1074A>G (NM_001350437.2); and 31 more; short protein forms R1246G, R628G, R604G, R581G, R598G, R627G.
Identifiers: ClinVar variation 1931006 (VCV001931006.5), dbSNP rs148880476, ClinGen allele CA3886332.
Genomic context (GRCh38, chr6:72,290,860, plus strand): 5'-CTGTGTTCTATGCACCACCTTGTCCCTGGAGGGTCGGCGCCACCTTCTCCGCTTCTGACA[A>G]GGTCGCTATTCAGTGTCCCCCTCAGCATTCATGTCCTGCCTCCGGGTGTTGGTGTGGTGT-3'
Protein context (NP_055804.2, residues 1236-1256): GSAPPSPLLT[Arg1246Gly]MHRQRSPTQS